The following is an entry in ClinVar:

NM_000360.4(TH):c.13G>A (p.Asp5Asn)

Gene: TH (tyrosine hydroxylase; minus strand). Cytogenetic location: 11p15.5.
Variant type: single nucleotide variant.
Coding change: c.13G>A on transcript NM_000360.4 (MANE Select); coding-DNA position 13, G replaced by A.
Protein change: p.Asp5Asn; replaces aspartic acid 5 with asparagine.
Molecular consequence: missense variant.
Genome position (GRCh38, 1-based): chr11:2,171,774, C>T on the plus strand (G>A on the coding strand, the complement: TH is on the minus strand). VCF-style: chr11-2171774-C-T. GRCh37 (hg19) VCF-style: chr11-2193004-C-T.
Other names: c.13G>A, p.Asp5Asn (NM_199292.3, NM_199293.3); short protein forms D5N.
Identifiers: ClinVar variation 526214 (VCV000526214.9), dbSNP rs777016570, ClinGen allele CA5818893.

ClinVar aggregate classification (germline): Uncertain significance. Review status: criteria provided, multiple submitters, no conflicts (2 of 4 stars). 4 submissions from 4 submitters: Uncertain significance (3). 1 of the submissions does not count toward it. Last evaluated 2022-08-09.

Conditions:
TH-deficient dopa-responsive dystonia. Also called: DYT-TH; Tyrosine Hydroxylase-Deficient Dopa-Responsive Dystonia; Segawa syndrome, autosomal recessive. Identifiers: Orphanet 101150, MedGen C2673535, MONDO:0011551, OMIM 605407.

Allele frequency attached by ClinVar (database versions not stated): gnomAD 0.00006; gnomAD exomes 0.00003 and 0.00002; ExAC 0.00004; TOPMed 0.00005.
gnomAD v4.1: 51 of 1,612,004 alleles (0.0032%); highest among the groups gnomAD compares: East Asian, 0.029%; no homozygotes.

Submissions (4):

Labcorp Genetics (formerly Invitae), Labcorp
Classification: Uncertain significance for TH-deficient dopa-responsive dystonia. Last evaluated: 2022-08-09. Review status: criteria provided, single submitter. Criteria: Invitae Variant Classification Sherloc (09022015). Collection method: clinical testing. Allele origin: germline.
Comment: This sequence change replaces aspartic acid, which is acidic and polar, with asparagine, which is neutral and polar, at codon 5 of the TH protein (p.Asp5Asn). This variant is present in population databases (rs777016570, gnomAD 0.03%). This variant has not been reported in the literature in individuals affected with TH-related conditions. ClinVar contains an entry for this variant (Variation ID: 526214). Advanced modeling of protein sequence and biophysical properties (such as structural, functional, and spatial information, amino acid conservation, physicochemical variation, residue mobility, and thermodynamic stability) performed at Invitae indicates that this missense variant is not expected to disrupt TH protein function. In summary, the available evidence is currently insufficient to determine the role of this variant in disease. Therefore, it has been classified as a Variant of Uncertain Significance.

Fulgent Genetics
Classification: Uncertain significance for TH-deficient dopa-responsive dystonia. Last evaluated: 2021-11-22. Review status: criteria provided, single submitter. Criteria: ACMG Guidelines, 2015. Collection method: clinical testing. Allele origin: unknown.

Revvity Omics, Revvity
Classification: Uncertain significance for TH-deficient dopa-responsive dystonia. Last evaluated: 2021-11-08. Review status: criteria provided, single submitter. Criteria: ACMG Guidelines, 2015. Collection method: clinical testing. Allele origin: germline.

Natera, Inc.
Classification: Uncertain significance for Autosomal recessive Segawa syndrome. Last evaluated: 2020-04-12. Review status: no assertion criteria provided. Collection method: clinical testing. Allele origin: germline. Not counted in ClinVar's aggregate classification.